The following is an entry in ClinVar:

ClinVar aggregate classification (germline): Uncertain significance (1 of 4 stars; one submission).

Conditions:
Inborn genetic diseases. Identifiers: MedGen C0950123, MeSH D030342.

Submission:

Ambry Genetics
Classification: Uncertain significance for Inborn genetic diseases. Last evaluated: 2022-02-15. Review status: criteria provided, single submitter. Criteria: Ambry Variant Classification Scheme 2023. Collection method: clinical testing. Allele origin: germline.
Comment: The p.A200P variant (also known as c.598G>C), located in coding exon 4 of the ACD gene, results from a G to C substitution at nucleotide position 598. The alanine at codon 200 is replaced by proline, an amino acid with highly similar properties. This amino acid position is conserved. In addition, this alteration is predicted to be tolerated by in silico analysis. Since supporting evidence is limited at this time, the clinical significance of this alteration remains unclear.

NM_001082486.2(ACD):c.340G>C (p.Ala114Pro)

Gene: ACD (ACD shelterin complex subunit and telomerase recruitment factor; minus strand). Cytogenetic location: 16q22.1.
Variant type: single nucleotide variant.
Coding change: c.340G>C on transcript NM_001082486.2 (MANE Select); coding-DNA position 340, G replaced by C.
Protein change: p.Ala114Pro; replaces alanine 114 with proline.
Molecular consequence: missense variant.
Genome position (GRCh38, 1-based): chr16:67,659,610, C>G on the plus strand (G>C on the coding strand, the complement: ACD is on the minus strand). VCF-style: chr16-67659610-C-G. GRCh37 (hg19) VCF-style: chr16-67693513-C-G.
Other names: c.340G>C, p.Ala114Pro (NM_001410884.1); c.331G>C, p.Ala111Pro (NM_022914.3); short protein forms A111P, A114P.
Identifiers: ClinVar variation 1750897 (VCV001750897.2), dbSNP rs377701284, ClinGen allele CA396355592.